The following is an entry in ClinVar:

NM_152268.4(PARS2):c.977C>T (p.Thr326Ile)

Gene: PARS2 (prolyl-tRNA synthetase 2, mitochondrial; minus strand). Cytogenetic location: 1p32.3.
Variant type: single nucleotide variant.
Coding change: c.977C>T on transcript NM_152268.4 (MANE Select); coding-DNA position 977, C replaced by T.
Protein change: p.Thr326Ile; replaces threonine 326 with isoleucine.
Molecular consequence: missense variant.
Genome position (GRCh38, 1-based): chr1:54,758,185, G>A on the plus strand (C>T on the coding strand, the complement: PARS2 is on the minus strand). VCF-style: chr1-54758185-G-A. GRCh37 (hg19) VCF-style: chr1-55223858-G-A.
Other names: short protein forms T326I.
Identifiers: ClinVar variation 4701902 (VCV004701902.5).

ClinVar aggregate classification (germline): Uncertain significance. Review status: criteria provided, multiple submitters, no conflicts (2 of 4 stars). 2 submissions from 2 submitters: Uncertain significance (2). Last evaluated 2026-01-01.

Submissions (2):

CeGaT Center for Human Genetics Tuebingen
Classification: Uncertain significance. Last evaluated: 2026-01-01. Review status: criteria provided, single submitter. Criteria: CeGaT Center For Human Genetics Tuebingen Variant Classification Criteria Version 2. Collection method: clinical testing. Allele origin: germline. Affected: yes. Observed: 1 variant allele.
Comment: PARS2: PM2, BP4

Labcorp Genetics (formerly Invitae), Labcorp
Classification: Uncertain significance. Last evaluated: 2025-03-31. Review status: criteria provided, single submitter. Criteria: Invitae Variant Classification Sherloc (09022015). Collection method: clinical testing. Allele origin: germline.
Comment: This sequence change replaces threonine, which is neutral and polar, with isoleucine, which is neutral and non-polar, at codon 326 of the PARS2 protein (p.Thr326Ile). This variant is present in population databases (rs747436718, gnomAD 0.006%). This variant has not been reported in the literature in individuals affected with PARS2-related conditions. An algorithm developed to predict the effect of missense changes on protein structure and function outputs the following: PolyPhen-2: "Benign". The isoleucine amino acid residue is found in multiple mammalian species, which suggests that this missense change does not adversely affect protein function. In summary, the available evidence is currently insufficient to determine the role of this variant in disease. Therefore, it has been classified as a Variant of Uncertain Significance.